The following is an entry in ClinVar:

NM_003136.4(SRP54):c.164A>G (p.Asn55Ser)

Gene: SRP54 (signal recognition particle 54; plus strand). Cytogenetic location: 14q13.2.
Variant type: single nucleotide variant.
Coding change: c.164A>G on transcript NM_003136.4 (MANE Select); coding-DNA position 164, A replaced by G.
Protein change: p.Asn55Ser; replaces asparagine 55 with serine.
Molecular consequence: missense variant. On other transcripts: intron variant (1).
Genome position (GRCh38, 1-based): chr14:34,999,643, A>G. VCF-style: chr14-34999643-A-G. GRCh37 (hg19) VCF-style: chr14-35468849-A-G.
Other names: c.164A>G, p.Asn55Ser (NM_001411017.1); c.24-1293A>G (NM_001146282.2); short protein forms N55S.
Identifiers: ClinVar variation 2014872 (VCV002014872.4), dbSNP rs1264306584, ClinGen allele CA389436806.
Genomic context (GRCh38, chr14:34,999,643, plus strand): 5'-TCTGTACCGCTTTGTTGGAAGCAGATGTTAATATTAAACTAGTGAAGCAACTAAGAGAAA[A>G]TGTTAAGTAAGTTAAATCAATCAGGTAAAACACAGGCACAGTTTAGTTTAGTTTACTGGA-3'
Protein context (NP_003127.1, residues 45-65): NIKLVKQLRE[Asn55Ser]VKSAIDLEEM

ClinVar aggregate classification (germline): Uncertain significance (1 of 4 stars; one submission).

Allele frequency attached by ClinVar (database versions not stated): TOPMed below 0.00001; gnomAD exomes 0.00001.

Submission:

Labcorp Genetics (formerly Invitae), Labcorp
Classification: Uncertain significance. Last evaluated: 2025-07-15. Review status: criteria provided, single submitter. Criteria: Invitae Variant Classification Sherloc (09022015). Collection method: clinical testing. Allele origin: germline.
Comment: This sequence change replaces asparagine, which is neutral and polar, with serine, which is neutral and polar, at codon 55 of the SRP54 protein (p.Asn55Ser). This variant is not present in population databases (gnomAD no frequency). This variant has not been reported in the literature in individuals affected with SRP54-related conditions. ClinVar contains an entry for this variant (Variation ID: 2014872). Invitae Evidence Modeling of protein sequence and biophysical properties (such as structural, functional, and spatial information, amino acid conservation, physicochemical variation, residue mobility, and thermodynamic stability) indicates that this missense variant is not expected to disrupt SRP54 protein function with a negative predictive value of 80%. In summary, the available evidence is currently insufficient to determine the role of this variant in disease. Therefore, it has been classified as a Variant of Uncertain Significance.